The following is an entry in ClinVar:

NM_006757.4(TNNT3):c.722+5G>A

Gene: TNNT3 (troponin T3, fast skeletal type; plus strand). Cytogenetic location: 11p15.5.
Variant type: single nucleotide variant.
Coding change: c.722+5G>A on transcript NM_006757.4 (MANE Select); 5 bases into the intron after coding-DNA position 722, G replaced by A.
Molecular consequence: intron variant.
Genome position (GRCh38, 1-based): chr11:1,937,008, G>A. VCF-style: chr11-1937008-G-A. GRCh37 (hg19) VCF-style: chr11-1958238-G-A.
Other names: c.698+5G>A (NM_001297646.2, NM_001042782.3, NM_001367845.1 and 1 more transcripts); c.755+5G>A (NM_001367846.1); c.731+5G>A (NM_001363561.2, NM_001367847.1); c.716+5G>A (NM_001042781.3, NM_001367842.1); c.719+5G>A (NM_001367848.1); c.698+754G>A (NM_001042780.3); c.665+5G>A (NM_001367850.1); c.518+5G>A (NM_001367851.1, NM_001367852.1); and 2 more.
Identifiers: ClinVar variation 2079324 (VCV002079324.6), dbSNP rs777205114, ClinGen allele CA5816639.

ClinVar aggregate classification (germline): Uncertain significance. Review status: criteria provided, multiple submitters, no conflicts (2 of 4 stars). 2 submissions from 2 submitters: Uncertain significance (2). Last evaluated 2025-12-15.

Conditions:
Congenital myopathy. Identifiers: Orphanet 97245, MedGen C0270960, MONDO:0019952.

Allele frequency attached by ClinVar (database versions not stated): gnomAD 0.00001; TOPMed 0.00002; ExAC 0.00003; gnomAD exomes 0.00001.
gnomAD v4.1: 4 of 1,599,086 alleles (0.00025%); highest among the groups gnomAD compares: Admixed American, 0.0052%; no homozygotes.

Submissions (2):

Dasa
Classification: Uncertain significance for congenital myopathy. Last evaluated: 2025-12-15. Review status: criteria provided, single submitter. Criteria: DASA Assertion Criteria. Collection method: clinical testing. Allele origin: germline.
Comment: NM_006757.4(TNNT3):c.722+5G>A is a splice-region variant. This variant is rare in population databases. Computational prediction algorithms are consistent with a deleterious effect. The currently available literature and clinical evidence are not sufficient to establish a definitive association between this variant and the reported condition. Therefore, this variant is classified as a variant of uncertain significance.

Labcorp Genetics (formerly Invitae), Labcorp
Classification: Uncertain significance. Last evaluated: 2024-12-02. Review status: criteria provided, single submitter. Criteria: Invitae Variant Classification Sherloc (09022015). Collection method: clinical testing. Allele origin: germline.
Comment: This sequence change falls in intron 15 of the TNNT3 gene. It does not directly change the encoded amino acid sequence of the TNNT3 protein. It affects a nucleotide within the consensus splice site. This variant is present in population databases (rs777205114, gnomAD 0.006%). This variant has not been reported in the literature in individuals affected with TNNT3-related conditions. ClinVar contains an entry for this variant (Variation ID: 2079324). Variants that disrupt the consensus splice site are a relatively common cause of aberrant splicing (PMID: 17576681, 9536098). Algorithms developed to predict the effect of sequence changes on RNA splicing suggest that this variant may disrupt the consensus splice site. In summary, the available evidence is currently insufficient to determine the role of this variant in disease. Therefore, it has been classified as a Variant of Uncertain Significance.

Literature cited by the submitters: PubMed 17576681 (cited by Labcorp Genetics (formerly Invitae), Labcorp); PubMed 9536098 (cited by Labcorp Genetics (formerly Invitae), Labcorp).